The following is an entry in ClinVar:

NM_018006.5(TRMU):c.880_898del (p.Arg294fs)

Gene: TRMU (tRNA mitochondrial 2-thiouridylase; plus strand). Cytogenetic location: 22q13.31.
Variant type: Deletion.
Coding change: c.880_898del on transcript NM_018006.5 (MANE Select); coding-DNA positions 880 to 898, 19 bases deleted (CGGACAGACCACCCAGCCC).
Protein change: p.Arg294fs; shifts the reading frame from arginine 294.
Molecular consequence: frameshift variant. On other transcripts: non-coding transcript variant (2).
Genome position (GRCh38, 1-based): chr22:46,355,450-46,355,468, CGGACAGACCACCCAGCCC deleted; deleting any 19 consecutive bases within chr22:46,355,447-46,355,468 gives the same sequence; the c. name uses the placement nearest the transcript's 3' end. VCF-style (leftmost placement, unchanged base first): chr22-46355446-CCCCCGGACAGACCACCCAG-C. GRCh37 (hg19) VCF-style: chr22-46751343-CCCCCGGACAGACCACCCAG-C.
Other names: c.538_556del, p.Arg180fs (NM_001282782.2); c.460_478del, p.Arg154fs (NM_001282783.2, NM_001282784.2); c.880_898del, p.Arg294fs (NM_001282785.2); short protein forms R154fs, R180fs, R294fs.
Identifiers: ClinVar variation 1076201 (VCV001076201.8), dbSNP rs774153227, ClinGen allele CA10292307.

ClinVar aggregate classification (germline): Pathogenic/Likely pathogenic. Review status: criteria provided, multiple submitters, no conflicts (2 of 4 stars). 2 submissions from 2 submitters: Pathogenic (1); Likely pathogenic (1). Last evaluated 2024-03-18.

Conditions:
Acute infantile liver failure due to synthesis defect of mtDNA-encoded proteins. Also called: LIVER FAILURE, INFANTILE, TRANSIENT; TRMU Deficiency; Liver failure acute infantile. Identifiers: Orphanet 217371, MedGen C3278664, MONDO:0013111, OMIM 613070.
Aminoglycoside-induced deafness. Also called: MT-RNR1-Related Hearing Loss and Deafness; DEAFNESS, STREPTOMYCIN-INDUCED; STREPTOMYCIN OTOTOXICITY. Identifiers: Orphanet 168609, MedGen C1838854, MONDO:0010799, OMIM 580000.

Submissions (2):

Fulgent Genetics
Classification: Likely pathogenic for Aminoglycoside-induced deafness; Acute infantile liver failure due to synthesis defect of mtDNA-encoded proteins. Last evaluated: 2024-03-18. Review status: criteria provided, single submitter. Criteria: ACMG Guidelines, 2015. Collection method: clinical testing. Allele origin: germline.

Labcorp Genetics (formerly Invitae), Labcorp
Classification: Pathogenic. Last evaluated: 2020-04-17. Review status: criteria provided, single submitter. Criteria: Invitae Variant Classification Sherloc (09022015). Collection method: clinical testing. Allele origin: germline.
Comment: Loss-of-function variants in TRMU are known to be pathogenic (PMID: 19732863, 23625533). This variant has not been reported in the literature in individuals with TRMU-related conditions. The frequency data for this variant in the population databases is considered unreliable, as metrics indicate poor data quality at this position in the ExAC database. This sequence change creates a premature translational stop signal (p.Arg294Cysfs*6) in the TRMU gene. It is expected to result in an absent or disrupted protein product. For these reasons, this variant has been classified as Pathogenic.

Literature cited by the submitters: PubMed 19732863 (cited by Labcorp Genetics (formerly Invitae), Labcorp); PubMed 23625533 (cited by Labcorp Genetics (formerly Invitae), Labcorp).